The following is an entry in ClinVar:

NM_001394962.1(KIAA1210):c.577T>G (p.Ser193Ala)

Gene: KIAA1210 (KIAA1210; minus strand). Cytogenetic location: Xq24.
Variant type: single nucleotide variant.
Coding change: c.577T>G on transcript NM_001394962.1 (MANE Select); coding-DNA position 577, T replaced by G.
Protein change: p.Ser193Ala; replaces serine 193 with alanine.
Molecular consequence: missense variant.
Genome position (GRCh38, 1-based): chrX:119,105,063, A>C on the plus strand (T>G on the coding strand, the complement: KIAA1210 is on the minus strand). VCF-style: chrX-119105063-A-C. GRCh37 (hg19) VCF-style: chrX-118239026-A-C.
Other names: c.997T>G, p.Ser333Ala (NM_020721.1); short protein forms S333A, S193A.
Identifiers: ClinVar variation 441090 (VCV000441090.5), dbSNP rs369956899, ClinGen allele CA10501432.

ClinVar aggregate classification (germline): Uncertain significance (1 of 4 stars; one submission).

Allele frequency attached by ClinVar (database versions not stated): ESP Exome Variant Server 0.00010; TOPMed 0.00007.
gnomAD v4.1: 31 of 1,207,606 alleles (0.0026%); highest among the groups gnomAD compares: Non-Finnish European, 0.0034%; no homozygotes.

Submission:

Ambry Genetics
Classification: Uncertain significance. Last evaluated: 2025-01-08. Review status: criteria provided, single submitter. Criteria: Ambry Variant Classification Scheme 2023. Collection method: clinical testing. Allele origin: germline.